The following is an entry in ClinVar:

NM_001903.5(CTNNA1):c.469-15_583dup

Gene: CTNNA1 (catenin alpha 1; plus strand). Cytogenetic location: 5q31.2.
Variant type: Duplication.
Coding change: c.469-15_583dup on transcript NM_001903.5 (MANE Select); 15 bases into the intron before coding-DNA position 469 through coding-DNA position 583, 130 bases duplicated.
Molecular consequence: splice acceptor variant.
Genome position (GRCh38, 1-based): chr5:138,812,168-138,812,297, 130 bases duplicated. GRCh37 (hg19): chr5:138,147,857-138,147,986.
Other names: c.469-15_583dup (NM_001323982.2, NM_001323984.2, NM_001290307.3 and 3 more transcripts); c.100-15_214dup (NM_001290310.3); c.160-15_274dup (NM_001290309.3).
Identifiers: ClinVar variation 2016758 (VCV002016758.4), dbSNP rs2532347992, ClinGen allele CA2580072854.

ClinVar aggregate classification (germline): Uncertain significance (1 of 4 stars; one submission).

Submission:

Labcorp Genetics (formerly Invitae), Labcorp
Classification: Uncertain significance. Last evaluated: 2022-07-13. Review status: criteria provided, single submitter. Criteria: Invitae Variant Classification Sherloc (09022015). Collection method: clinical testing. Allele origin: germline.
Comment: This variant has not been reported in the literature in individuals affected with CTNNA1-related conditions. In summary, the available evidence is currently insufficient to determine the role of this variant in disease. Therefore, it has been classified as a Variant of Uncertain Significance. Algorithms developed to predict the effect of sequence changes on RNA splicing suggest that this variant may create or strengthen a splice site. This variant is also known as c.469-15_583dup (p.Gln195Leufs*19). This variant is not present in population databases (gnomAD no frequency). This sequence change falls in intron 4 of the CTNNA1 gene. It does not directly change the encoded amino acid sequence of the CTNNA1 protein.